The following is an entry in ClinVar:

ClinVar aggregate classification (germline): Pathogenic/Likely pathogenic. Review status: criteria provided, multiple submitters, no conflicts (2 of 4 stars). 4 submissions from 4 submitters: Pathogenic (1); Likely pathogenic (3). Last evaluated 2024-06-05.

Conditions:
Pyruvate dehydrogenase E3 deficiency (DLDD). Also called: Lipoamide dehydrogenase deficiency, lactic acidosis due to; MAPLE SYRUP URINE DISEASE, TYPE III; Dihydrolipoamide Dehydrogenase (E3) Deficiency; Lipoamide dehydrogenase deficiency; Dihydrolipoamide Dehydrogenase E3 Deficiency; DLD DEFICIENCY. Identifiers: Orphanet 2394, Orphanet 765, MedGen C5574660, MONDO:0009529, OMIM 246900.

Submissions (4):

Fulgent Genetics
Classification: Likely pathogenic for Pyruvate dehydrogenase E3 deficiency. Last evaluated: 2024-06-05. Review status: criteria provided, single submitter. Criteria: ACMG Guidelines, 2015. Collection method: clinical testing. Allele origin: germline.

Department of Pathology and Laboratory Medicine, Sinai Health System
Classification: Likely pathogenic for Pyruvate dehydrogenase E3 deficiency. Last evaluated: 2023-03-12. Review status: criteria provided, single submitter. Criteria: ACMG Guidelines, 2015. Collection method: research. Allele origin: germline.

Baylor Genetics
Classification: Likely pathogenic for Pyruvate dehydrogenase E3 deficiency. Last evaluated: 2022-09-21. Review status: criteria provided, single submitter. Criteria: ACMG Guidelines, 2015. Collection method: clinical testing. Allele origin: unknown.

Labcorp Genetics (formerly Invitae), Labcorp
Classification: Pathogenic for Pyruvate dehydrogenase E3 deficiency. Last evaluated: 2021-05-17. Review status: criteria provided, single submitter. Criteria: Invitae Variant Classification Sherloc (09022015). Collection method: clinical testing. Allele origin: germline.
Comment: This sequence change creates a premature translational stop signal (p.Leu274Phefs*17) in the DLD gene. It is expected to result in an absent or disrupted protein product. This variant is present in population databases (rs751883130, ExAC 0.002%). This variant has not been reported in the literature in individuals with DLD-related conditions. Loss-of-function variants in DLD are known to be pathogenic (PMID: 8968745, 9934985). For these reasons, this variant has been classified as Pathogenic.

Literature cited by the submitters: PubMed 8968745 (cited by Labcorp Genetics (formerly Invitae), Labcorp); PubMed 9934985 (cited by Labcorp Genetics (formerly Invitae), Labcorp).

NM_000108.5(DLD):c.821dup (p.Leu274fs)

Gene: DLD (dihydrolipoamide dehydrogenase; plus strand). Cytogenetic location: 7q31.1.
Variant type: Duplication.
Coding change: c.821dup on transcript NM_000108.5 (MANE Select); coding-DNA position 821, one base duplicated (T; older notation c.821dupT).
Protein change: p.Leu274fs; shifts the reading frame from leucine 274.
Molecular consequence: frameshift variant.
Genome position (GRCh38, 1-based): chr7:107,915,642, T duplicated; the last of 2 consecutive T bases (chr7:107,915,641-107,915,642); duplicating either gives the same sequence. VCF-style (leftmost placement, unchanged base first): chr7-107915640-A-AT. GRCh37 (hg19) VCF-style: chr7-107556085-A-AT.
Other names: c.524dup, p.Leu175fs (NM_001289750.1); c.752dup, p.Leu251fs (NM_001289751.1); c.677dup, p.Leu226fs (NM_001289752.1); short protein forms L274fs, L175fs, L226fs, L251fs.
Identifiers: ClinVar variation 960146 (VCV000960146.10), dbSNP rs751883130, ClinGen allele CA4434562.